The following is an entry in ClinVar:

NM_006767.4(LZTR1):c.1962C>A (p.Asp654Glu)

Gene: LZTR1 (leucine zipper like post translational regulator 1; plus strand). Cytogenetic location: 22q11.21.
Variant type: single nucleotide variant.
Coding change: c.1962C>A on transcript NM_006767.4 (MANE Select); coding-DNA position 1962, C replaced by A.
Protein change: p.Asp654Glu; replaces aspartic acid 654 with glutamic acid.
Molecular consequence: missense variant.
Genome position (GRCh38, 1-based): chr22:20,995,765, C>A. VCF-style: chr22-20995765-C-A. GRCh37 (hg19) VCF-style: chr22-21350054-C-A.
Other names: c.1962C>A (NM_006767.3); short protein forms D654E.
Identifiers: ClinVar variation 1473386 (VCV001473386.9), dbSNP rs1131176, ClinGen allele CA410778962.
Genomic context (GRCh38, chr22:20,995,765, plus strand): 5'-AATCCCAGGCTGTACCTGCTCAGGGACCCTCCTACCCCCAGGCACATCTCTGATCCAGGA[C>A]ATGAAGGCATACCTGGAGGGAGCGGGCGCGGAATTCTGTGACATCACTCTGTTGCTTGAC-3'
Protein context (NP_006758.2, residues 644-664): PVDIGTSLIQ[Asp654Glu]MKAYLEGAGA

ClinVar aggregate classification (germline): Uncertain significance. Review status: criteria provided, multiple submitters, no conflicts (2 of 4 stars). 2 submissions from 2 submitters: Uncertain significance (2). Last evaluated 2025-12-10.

Conditions:
Cardiovascular phenotype. Identifiers: MedGen CN230736.
Hereditary cancer-predisposing syndrome. Also called: Neoplastic Syndromes, Hereditary; Hereditary Cancer Syndrome; Tumor predisposition; Hereditary neoplastic syndrome. Identifiers: Orphanet 140162, MedGen C0027672, MeSH D009386, MONDO:0015356.

Submissions (2):

Labcorp Genetics (formerly Invitae), Labcorp
Classification: Uncertain significance. Last evaluated: 2025-12-10. Review status: criteria provided, single submitter. Criteria: Invitae Variant Classification Sherloc (09022015). Collection method: clinical testing. Allele origin: germline.
Comment: This sequence change replaces aspartic acid, which is acidic and polar, with glutamic acid, which is acidic and polar, at codon 654 of the LZTR1 protein (p.Asp654Glu). This variant is not present in population databases (gnomAD no frequency). This variant has not been reported in the literature in individuals affected with LZTR1-related conditions. ClinVar contains an entry for this variant (Variation ID: 1473386). Invitae Evidence Modeling of protein sequence and biophysical properties (such as structural, functional, and spatial information, amino acid conservation, physicochemical variation, residue mobility, and thermodynamic stability) indicates that this missense variant is not expected to disrupt LZTR1 protein function with a negative predictive value of 80%. In summary, the available evidence is currently insufficient to determine the role of this variant in disease. Therefore, it has been classified as a Variant of Uncertain Significance.

Ambry Genetics
Classification: Uncertain significance for Cardiovascular phenotype; Hereditary cancer-predisposing syndrome. Last evaluated: 2025-12-02. Review status: criteria provided, single submitter. Criteria: Ambry Variant Classification Scheme 2023. Collection method: clinical testing. Allele origin: germline.
Comment: The p.D654E variant (also known as c.1962C>A), located in coding exon 17 of the LZTR1 gene, results from a C to A substitution at nucleotide position 1962. The aspartic acid at codon 654 is replaced by glutamic acid, an amino acid with highly similar properties. This amino acid position is highly conserved in available vertebrate species. In addition, the in silico prediction for this alteration is inconclusive. Based on the available evidence, the clinical significance of this variant remains unclear.